The following is an entry in ClinVar:

ClinVar aggregate classification (germline): Uncertain significance (1 of 4 stars; one submission).

Submission:

Labcorp Genetics (formerly Invitae), Labcorp
Classification: Uncertain significance. Last evaluated: 2024-02-18. Review status: criteria provided, single submitter. Criteria: Invitae Variant Classification Sherloc (09022015). Collection method: clinical testing. Allele origin: germline.
Comment: This sequence change replaces tyrosine, which is neutral and polar, with serine, which is neutral and polar, at codon 2482 of the LRP2 protein (p.Tyr2482Ser). This variant is not present in population databases (gnomAD no frequency). This variant has not been reported in the literature in individuals affected with LRP2-related conditions. Advanced modeling of protein sequence and biophysical properties (such as structural, functional, and spatial information, amino acid conservation, physicochemical variation, residue mobility, and thermodynamic stability) performed at Invitae indicates that this missense variant is expected to disrupt LRP2 protein function with a positive predictive value of 95%. In summary, the available evidence is currently insufficient to determine the role of this variant in disease. Therefore, it has been classified as a Variant of Uncertain Significance.

NM_004525.3(LRP2):c.7445A>C (p.Tyr2482Ser)

Gene: LRP2 (LDL receptor related protein 2; minus strand). Cytogenetic location: 2q31.1.
Variant type: single nucleotide variant.
Coding change: c.7445A>C on transcript NM_004525.3 (MANE Select); coding-DNA position 7445, A replaced by C.
Protein change: p.Tyr2482Ser; replaces tyrosine 2482 with serine.
Molecular consequence: missense variant.
Genome position (GRCh38, 1-based): chr2:169,206,134, T>G on the plus strand (A>C on the coding strand, the complement: LRP2 is on the minus strand). VCF-style: chr2-169206134-T-G. GRCh37 (hg19) VCF-style: chr2-170062644-T-G.
Other names: short protein forms Y2482S.
Identifiers: ClinVar variation 3634078 (VCV003634078.2).